The following is an entry in ClinVar:

NM_006231.4(POLE):c.3339G>A (p.Trp1113Ter)

Gene: POLE (DNA polymerase epsilon, catalytic subunit; minus strand). Cytogenetic location: 12q24.33.
Variant type: single nucleotide variant.
Coding change: c.3339G>A on transcript NM_006231.4 (MANE Select); coding-DNA position 3339, G replaced by A.
Protein change: p.Trp1113Ter; replaces tryptophan 1113 with a stop codon.
Molecular consequence: nonsense.
Genome position (GRCh38, 1-based): chr12:132,657,907, C>T on the plus strand (G>A on the coding strand, the complement: POLE is on the minus strand). VCF-style: chr12-132657907-C-T. GRCh37 (hg19) VCF-style: chr12-133234493-C-T.
Other names: c.3339G>A (NM_006231.2); short protein forms W1113*.
Identifiers: ClinVar variation 1020965 (VCV001020965.10), dbSNP rs757377081, ClinGen allele CA6893273.

ClinVar aggregate classification (germline): Conflicting classifications of pathogenicity. Review status: criteria provided, conflicting classifications (1 of 4 stars). 3 submissions from 3 submitters: Pathogenic (1); Likely pathogenic (1); Uncertain significance (1). Last evaluated 2025-01-02.

Conditions:
Hereditary cancer-predisposing syndrome. Also called: Hereditary Cancer Syndrome; Neoplastic Syndromes, Hereditary; Tumor predisposition; Hereditary neoplastic syndrome. Identifiers: Orphanet 140162, MedGen C0027672, MeSH D009386, MONDO:0015356.
Colorectal cancer, susceptibility to, 12 (CRCS12). Also called: COLORECTAL CANCER, SUSCEPTIBILITY TO, ON CHROMOSOME 12q24. Identifiers: Orphanet 220460, MedGen C3554460, MONDO:0014038, OMIM 615083.

Allele frequency attached by ClinVar (database versions not stated): gnomAD below 0.00001 and 0.00001; gnomAD exomes 0.00002 and 0.00003; ExAC 0.00003.
gnomAD v4.1: 10 of 1,613,886 alleles (0.00062%); highest among the groups gnomAD compares: South Asian, 0.011%; no homozygotes.

Submissions (3):

Ambry Genetics
Classification: Uncertain significance for Hereditary cancer-predisposing syndrome. Last evaluated: 2025-01-02. Review status: criteria provided, single submitter. Criteria: Ambry Variant Classification Scheme 2023. Collection method: clinical testing. Allele origin: germline.
Comment: The p.W1113* variant (also known as c.3339G>A), located in coding exon 27 of the POLE gene, results from a G to A substitution at nucleotide position 3339. This changes the amino acid from a tryptophan to a stop codon within coding exon 27. This alteration is expected to result in loss of function by premature protein truncation or nonsense-mediated mRNA decay. Loss-of-function variants subject to nonsense mediated decay (NMD) in POLE are known to cause POLE deficiency; however, such associations with POLE-related polymerase proofreading-associated polyposis (PPAP) have not been reported. Based on the supporting evidence, this alteration is pathogenic for POLE deficiency; however, the association of this alteration with POLE-related polymerase proofreading-associated polyposis (PPAP) is unknown.

Labcorp Genetics (formerly Invitae), Labcorp
Classification: Pathogenic. Last evaluated: 2023-12-02. Review status: criteria provided, single submitter. Criteria: Invitae Variant Classification Sherloc (09022015). Collection method: clinical testing. Allele origin: germline.
Comment: This sequence change creates a premature translational stop signal (p.Trp1113*) in the POLE gene. It is expected to result in an absent or disrupted protein product. Loss-of-function variants in POLE are known to be pathogenic (PMID: 23230001, 25948378, 30503519). This variant is present in population databases (rs757377081, gnomAD 0.02%). This variant has not been reported in the literature in individuals affected with POLE-related conditions. ClinVar contains an entry for this variant (Variation ID: 1020965). For these reasons, this variant has been classified as Pathogenic.

Neuberg Centre For Genomic Medicine, NCGM
Classification: Likely pathogenic for Colorectal cancer, susceptibility to, 12. Last evaluated: 2023-06-22. Review status: criteria provided, single submitter. Criteria: ACMG Guidelines, 2015. Collection method: clinical testing. Allele origin: germline. Inheritance: Autosomal dominant inheritance. Affected: yes.
Comment: The stop gained c.3339G>A(p.Trp1113Ter) variant in POLE gene has been submitted to the ClinVar database as Pathogenic. This variant has not been reported previously in affected individuals, to our knowledge. The c.3339G>A variant is present with allele frequency of 0.003% in gnomAD Exomes. The reference nucleotide change at this position on POLE gene is predicted as conserved by GERP++ and PhyloP across 100 vertebrates. Computational evidence (MutationTaster - Disease causing) predicts damaging effect on protein structure and function for this variant. This sequence change creates a premature translational stop signal (p.Trp1113Ter) in the POLE gene. This variant is predicted to cause loss of normal protein function through protein truncation. Loss of function variants in POLE gene have been previously reported to be disease causing (Logan CV, et al., 2018). However, additional functional studies will be required to prove the pathogenicity of this variant. For these reasons, this variant has been classified as Likely Pathogenic.

Literature cited by the submitters: PubMed 23230001 (cited by Labcorp Genetics (formerly Invitae), Labcorp); PubMed 25948378 (cited by Labcorp Genetics (formerly Invitae), Labcorp); PubMed 30503519 (cited by Labcorp Genetics (formerly Invitae), Labcorp).